The following is an entry in ClinVar:

ClinVar aggregate classification (germline): Uncertain significance (1 of 4 stars; one submission).

Conditions:
Retinitis pigmentosa 12 (RP12). Also called: RP WITH OR WITHOUT PPRPE; RP WITH OR WITHOUT PRESERVED PARAARTERIOLE RETINAL PIGMENT EPITHELIUM; RETINITIS PIGMENTOSA WITH OR WITHOUT PARAARTERIOLAR PRESERVATION OF RETINAL PIGMENT EPITHELIUM. Identifiers: Orphanet 791, MedGen C1838647, MONDO:0010818, OMIM 600105.
Leber congenital amaurosis 8 (LCA8). Identifiers: Orphanet 65, MedGen C3151202, MONDO:0013453, OMIM 613835.

Submission:

Labcorp Genetics (formerly Invitae), Labcorp
Classification: Uncertain significance for Leber congenital amaurosis 8; Retinitis pigmentosa 12. Last evaluated: 2022-06-24. Review status: criteria provided, single submitter. Criteria: Invitae Variant Classification Sherloc (09022015). Collection method: clinical testing. Allele origin: germline.
Comment: This sequence change replaces glutamine, which is neutral and polar, with lysine, which is basic and polar, at codon 883 of the CRB1 protein (p.Gln883Lys). This variant is not present in population databases (gnomAD no frequency). This variant has not been reported in the literature in individuals affected with CRB1-related conditions. ClinVar contains an entry for this variant (Variation ID: 1057473). Advanced modeling of protein sequence and biophysical properties (such as structural, functional, and spatial information, amino acid conservation, physicochemical variation, residue mobility, and thermodynamic stability) performed at Invitae indicates that this missense variant is not expected to disrupt CRB1 protein function. In summary, the available evidence is currently insufficient to determine the role of this variant in disease. Therefore, it has been classified as a Variant of Uncertain Significance.

NM_201253.3(CRB1):c.2647C>A (p.Gln883Lys)

Gene: CRB1 (crumbs cell polarity complex component 1; plus strand). Cytogenetic location: 1q31.3.
Variant type: single nucleotide variant.
Coding change: c.2647C>A on transcript NM_201253.3 (MANE Select); coding-DNA position 2647, C replaced by A.
Protein change: p.Gln883Lys; replaces glutamine 883 with lysine.
Molecular consequence: missense variant. On other transcripts: non-coding transcript variant (2), intron variant (1).
Genome position (GRCh38, 1-based): chr1:197,427,972, C>A. VCF-style: chr1-197427972-C-A. GRCh37 (hg19) VCF-style: chr1-197397102-C-A.
Other names: c.2311C>A, p.Gln771Lys (NM_001193640.2); c.2440C>A, p.Gln814Lys (NM_001257965.2); c.2128+6016C>A (NM_001257966.2); short protein forms Q771K, Q814K, Q883K.
Identifiers: ClinVar variation 1057473 (VCV001057473.9), dbSNP rs2125485481, ClinGen allele CA344038615.